The following is an entry in ClinVar:

ClinVar aggregate classification (germline): Likely pathogenic (1 of 4 stars; one submission).

Submission:

CeGaT Center for Human Genetics Tuebingen
Classification: Likely pathogenic. Last evaluated: 2025-03-01. Review status: criteria provided, single submitter. Criteria: CeGaT Center For Human Genetics Tuebingen Variant Classification Criteria Version 2. Collection method: clinical testing. Allele origin: germline. Affected: yes. Observed: 1 variant allele.
Comment: KAT6B: PVS1:Strong, PM2

NM_012330.4(KAT6B):c.4960_4961insA (p.Ser1654fs)

Gene: KAT6B (lysine acetyltransferase 6B; plus strand). Cytogenetic location: 10q22.2.
Variant type: Insertion.
Coding change: c.4960_4961insA on transcript NM_012330.4 (MANE Select); coding-DNA positions 4960 to 4961, A inserted.
Protein change: p.Ser1654fs; shifts the reading frame from serine 1654.
Molecular consequence: frameshift variant.
Genome position: GRCh38 VCF-style: chr10-75029784-T-TA. GRCh37 (hg19) VCF-style: chr10-76789542-T-TA.
Other names: c.3271_3272insA, p.Ser1091fs (NM_001370133.1); c.2875_2876insA, p.Ser959fs (NM_001370134.1); c.2617_2618insA, p.Ser873fs (NM_001370135.1); c.4960_4961insA, p.Ser1654fs (NM_001370136.1, NM_001370137.1); c.4411_4412insA, p.Ser1471fs (NM_001370138.1, NM_001256468.2); c.4084_4085insA, p.Ser1362fs (NM_001370139.1, NM_001370140.1, NM_001370141.1 and 2 more transcripts); c.3922_3923insA, p.Ser1308fs (NM_001370132.1); c.3895_3896insA, p.Ser1299fs (NM_001370143.1, NM_001370144.1); short protein forms S1091fs, S1299fs, S1308fs, S1362fs, S1471fs, S1654fs, S873fs, S959fs.
Identifiers: ClinVar variation 3778464 (VCV003778464.7).